The following is an entry in ClinVar:

NM_013382.7(POMT2):c.1604A>T (p.Gln535Leu)

Gene: POMT2 (protein O-mannosyltransferase 2; minus strand). Cytogenetic location: 14q24.3.
Variant type: single nucleotide variant.
Coding change: c.1604A>T on transcript NM_013382.7 (MANE Select); coding-DNA position 1604, A replaced by T.
Protein change: p.Gln535Leu; replaces glutamine 535 with leucine.
Molecular consequence: missense variant.
Genome position (GRCh38, 1-based): chr14:77,283,846, T>A on the plus strand (A>T on the coding strand, the complement: POMT2 is on the minus strand). VCF-style: chr14-77283846-T-A. GRCh37 (hg19) VCF-style: chr14-77750189-T-A.
Other names: short protein forms Q535L.
Identifiers: ClinVar variation 572027 (VCV000572027.8), dbSNP rs147882035, ClinGen allele CA7285795.

ClinVar aggregate classification (germline): Uncertain significance. Review status: criteria provided, multiple submitters, no conflicts (2 of 4 stars). 2 submissions from 2 submitters: Uncertain significance (2). Last evaluated 2022-02-03.

Conditions:
Muscular dystrophy-dystroglycanopathy (congenital with impaired intellectual development), type B, 2. Also called: Muscular dystrophy-dystroglycanopathy (congenital with intellectual disability), type B2; MUSCULAR DYSTROPHY, CONGENITAL, POMT2-RELATED. Identifiers: MedGen C3150416, MONDO:0013160, OMIM 613156.
Autosomal recessive limb-girdle muscular dystrophy type 2N. Also called: Muscular dystrophy-dystroglycanopathy (limb-girdle), type C, 2; MUSCULAR DYSTROPHY-DYSTROGLYCANOPATHY, LIMB-GIRDLE, POMT2-RELATED. Identifiers: Orphanet 206559, MedGen C3150418, MONDO:0013162, OMIM 613158.
Muscular dystrophy-dystroglycanopathy (congenital with brain and eye anomalies), type A2. Also called: MUSCULAR DYSTROPHY-DYSTROGLYCANOPATHY (CONGENITAL WITH BRAIN AND EYE ANOMALIES), TYPE A, 2; WALKER-WARBURG SYNDROME OR MUSCLE-EYE-BRAIN DISEASE, POMT2-RELATED. Identifiers: Orphanet 588, Orphanet 899, MedGen C3150411, MONDO:0013154, OMIM 613150.

Allele frequency attached by ClinVar (database versions not stated): ESP Exome Variant Server 0.00008; ExAC 0.00001; gnomAD exomes below 0.00001.
gnomAD v4.1: 13 of 1,613,238 alleles (0.00081%); highest among the groups gnomAD compares: Non-Finnish European, 0.0011%; no homozygotes.

Submissions (2):

Labcorp Genetics (formerly Invitae), Labcorp
Classification: Uncertain significance for Muscular dystrophy-dystroglycanopathy (congenital with impaired intellectual development), type B, 2; Muscular dystrophy-dystroglycanopathy (congenital with brain and eye anomalies), type A2; Autosomal recessive limb-girdle muscular dystrophy type 2N. Last evaluated: 2022-02-03. Review status: criteria provided, single submitter. Criteria: Invitae Variant Classification Sherloc (09022015). Collection method: clinical testing. Allele origin: germline.
Comment: This sequence change replaces glutamine, which is neutral and polar, with leucine, which is neutral and non-polar, at codon 535 of the POMT2 protein (p.Gln535Leu). This variant is present in population databases (rs147882035, gnomAD 0.002%). This variant has not been reported in the literature in individuals affected with POMT2-related conditions. ClinVar contains an entry for this variant (Variation ID: 572027). Algorithms developed to predict the effect of missense changes on protein structure and function (SIFT, PolyPhen-2, Align-GVGD) all suggest that this variant is likely to be tolerated. In summary, the available evidence is currently insufficient to determine the role of this variant in disease. Therefore, it has been classified as a Variant of Uncertain Significance.

Revvity Omics, Revvity
Classification: Uncertain significance. Last evaluated: 2020-08-25. Review status: criteria provided, single submitter. Criteria: ACMG Guidelines, 2015. Collection method: clinical testing. Allele origin: germline.